The following is an entry in ClinVar:

NM_006231.4(POLE):c.1916G>T (p.Arg639Leu)

Gene: POLE (DNA polymerase epsilon, catalytic subunit; minus strand). Cytogenetic location: 12q24.33.
Variant type: single nucleotide variant.
Coding change: c.1916G>T on transcript NM_006231.4 (MANE Select); coding-DNA position 1916, G replaced by T.
Protein change: p.Arg639Leu; replaces arginine 639 with leucine.
Molecular consequence: missense variant.
Genome position (GRCh38, 1-based): chr12:132,668,818, C>A on the plus strand (G>T on the coding strand, the complement: POLE is on the minus strand). VCF-style: chr12-132668818-C-A. GRCh37 (hg19) VCF-style: chr12-133245404-C-A.
Other names: c.1916G>T (NM_006231.2); short protein forms R639L.
Identifiers: ClinVar variation 860926 (VCV000860926.10), dbSNP rs754616313, ClinGen allele CA6893778.

ClinVar aggregate classification (germline): Uncertain significance. Review status: criteria provided, multiple submitters, no conflicts (2 of 4 stars). 2 submissions from 2 submitters: Uncertain significance (2). Last evaluated 2026-05-05.

Conditions:
Hereditary cancer-predisposing syndrome. Also called: Tumor predisposition; Neoplastic Syndromes, Hereditary; Hereditary neoplastic syndrome; Hereditary Cancer Syndrome. Identifiers: Orphanet 140162, MedGen C0027672, MeSH D009386, MONDO:0015356.

Submissions (2):

Ambry Genetics
Classification: Uncertain significance for Hereditary cancer-predisposing syndrome. Last evaluated: 2026-05-05. Review status: criteria provided, single submitter. Criteria: Ambry Variant Classification Scheme 2023. Collection method: clinical testing. Allele origin: germline.
Comment: The p.R639L variant (also known as c.1916G>T), located in coding exon 17 of the POLE gene, results from a G to T substitution at nucleotide position 1916. The arginine at codon 639 is replaced by leucine, an amino acid with dissimilar properties. This amino acid position is highly conserved in available vertebrate species. In addition, the in silico prediction for this alteration is inconclusive. Based on the available evidence, the clinical significance of this variant remains unclear.

Labcorp Genetics (formerly Invitae), Labcorp
Classification: Uncertain significance. Last evaluated: 2024-08-01. Review status: criteria provided, single submitter. Criteria: Invitae Variant Classification Sherloc (09022015). Collection method: clinical testing. Allele origin: germline.
Comment: This sequence change replaces arginine, which is basic and polar, with leucine, which is neutral and non-polar, at codon 639 of the POLE protein (p.Arg639Leu). The frequency data for this variant in the population databases is considered unreliable, as metrics indicate poor data quality at this position in the gnomAD database. This variant has not been reported in the literature in individuals affected with POLE-related conditions. ClinVar contains an entry for this variant (Variation ID: 860926). Advanced modeling of protein sequence and biophysical properties (such as structural, functional, and spatial information, amino acid conservation, physicochemical variation, residue mobility, and thermodynamic stability) performed at Invitae indicates that this missense variant is expected to disrupt POLE protein function with a positive predictive value of 80%. In summary, the available evidence is currently insufficient to determine the role of this variant in disease. Therefore, it has been classified as a Variant of Uncertain Significance.